The following is an entry in ClinVar:

NM_005506.4(SCARB2):c.170C>T (p.Pro57Leu)

Gene: SCARB2 (scavenger receptor class B member 2; minus strand). Cytogenetic location: 4q21.1.
Variant type: single nucleotide variant.
Coding change: c.170C>T on transcript NM_005506.4 (MANE Select); coding-DNA position 170, C replaced by T.
Protein change: p.Pro57Leu; replaces proline 57 with leucine.
Molecular consequence: missense variant.
Genome position (GRCh38, 1-based): chr4:76,195,812, G>A on the plus strand (C>T on the coding strand, the complement: SCARB2 is on the minus strand). VCF-style: chr4-76195812-G-A. GRCh37 (hg19) VCF-style: chr4-77116965-G-A.
Other names: c.170C>T, p.Pro57Leu (NM_001204255.2); short protein forms P57L.
Identifiers: ClinVar variation 591897 (VCV000591897.6), dbSNP rs1560716152, ClinGen allele CA357327652.
Genomic context (GRCh38, chr4:76,195,812, plus strand): 5'-CTGAGGATCTCCTCTGGATTGGTGACATTGAAGAAATAGAACTGAGTATACACAGGCAGA[G>A]GGGGCTTCTCCCAGGAGTCAAATGCCTCAGTACCATTCCTTAACACAATTTTCTAGGAAA-3'
Protein context (NP_005497.1, residues 47-67): TEAFDSWEKP[Pro57Leu]LPVYTQFYFF

ClinVar aggregate classification (germline): Uncertain significance. Review status: criteria provided, multiple submitters, no conflicts (2 of 4 stars). 4 submissions from 4 submitters: Uncertain significance (3). 1 of the submissions does not count toward it. Last evaluated 2022-05-20.

Conditions:
Inborn genetic diseases. Identifiers: MedGen C0950123, MeSH D030342.
Action myoclonus-renal failure syndrome. Also called: SCARB2-Related Action Myoclonus-Renal Failure Syndrome; EPILEPSY, PROGRESSIVE MYOCLONIC, 4, WITH RENAL FAILURE; EPILEPSY, PROGRESSIVE MYOCLONIC, 4, WITHOUT RENAL FAILURE; MYOCLONUS-NEPHROPATHY SYNDROME. Identifiers: Orphanet 163696, MedGen C0751779, MeSH D020191, MONDO:0009699, OMIM 254900.

Allele frequency attached by ClinVar (database versions not stated): TOPMed below 0.00001; gnomAD 0.00001; gnomAD exomes 0.00001.
gnomAD v4.1: 19 of 1,613,596 alleles (0.0012%); highest among the groups gnomAD compares: Non-Finnish European, 0.0016%; no homozygotes.

Submissions (4):

Fulgent Genetics
Classification: Uncertain significance for Action myoclonus-renal failure syndrome. Last evaluated: 2022-05-20. Review status: criteria provided, single submitter. Criteria: ACMG Guidelines, 2015. Collection method: clinical testing. Allele origin: unknown.

GeneDx
Classification: Uncertain significance. Last evaluated: 2021-01-25. Review status: criteria provided, single submitter. Criteria: GeneDx Variant Classification Process June 2021. Collection method: clinical testing. Allele origin: germline. Affected: yes.
Comment: Not observed in large population cohorts (Lek et al., 2016); In silico analysis, which includes protein predictors and evolutionary conservation, supports a deleterious effect; Has not been previously published as pathogenic or benign to our knowledge

Ambry Genetics
Classification: Uncertain significance for Inborn genetic diseases. Last evaluated: 2020-03-27. Review status: criteria provided, single submitter. Criteria: Ambry Variant Classification Scheme 2023. Collection method: clinical testing. Allele origin: germline.
Comment: The p.P57L variant (also known as c.170C>T), located in coding exon 2 of the SCARB2 gene, results from a C to T substitution at nucleotide position 170. The proline at codon 57 is replaced by leucine, an amino acid with similar properties. This amino acid position is highly conserved in available vertebrate species. In addition, this alteration is predicted to be deleterious by in silico analysis. Since supporting evidence is limited at this time, the clinical significance of this alteration remains unclear.

Gharavi Laboratory, Columbia University
Classification: Uncertain significance. Last evaluated: 2018-09-16. Review status: no assertion criteria provided. Criteria: ACMG Guidelines, 2015. Collection method: research. Allele origin: germline. Affected: yes. Not counted in ClinVar's aggregate classification.